The following is an entry in ClinVar:

ClinVar aggregate classification (germline): Uncertain significance (1 of 4 stars; one submission).

Conditions:
Jeune thoracic dystrophy. Also called: Jeune syndrome; Infantile thoracic dystrophy; Thoracic pelvic phalangeal dystrophy; Jeune's syndrome; Chondroectodermal dysplasia-like syndrome; Short-rib thoracic dysplasia. Identifiers: Orphanet 474, MedGen C0265275, MONDO:0018770.

Submission:

Labcorp Genetics (formerly Invitae), Labcorp
Classification: Uncertain significance for Jeune thoracic dystrophy. Last evaluated: 2025-06-09. Review status: criteria provided, single submitter. Criteria: Invitae Variant Classification Sherloc (09022015). Collection method: clinical testing. Allele origin: germline.
Comment: This sequence change replaces glutamic acid, which is acidic and polar, with aspartic acid, which is acidic and polar, at codon 163 of the DYNC2H1 protein (p.Glu163Asp). This variant is not present in population databases (gnomAD no frequency). This variant has not been reported in the literature in individuals affected with DYNC2H1-related conditions. Invitae Evidence Modeling of protein sequence and biophysical properties (such as structural, functional, and spatial information, amino acid conservation, physicochemical variation, residue mobility, and thermodynamic stability) indicates that this missense variant is not expected to disrupt DYNC2H1 protein function with a negative predictive value of 95%. In summary, the available evidence is currently insufficient to determine the role of this variant in disease. Therefore, it has been classified as a Variant of Uncertain Significance.

NM_001377.3(DYNC2H1):c.489A>C (p.Glu163Asp)

Gene: DYNC2H1 (dynein cytoplasmic 2 heavy chain 1; plus strand). Cytogenetic location: 11q22.3.
Variant type: single nucleotide variant.
Coding change: c.489A>C on transcript NM_001377.3 (MANE Select); coding-DNA position 489, A replaced by C.
Protein change: p.Glu163Asp; replaces glutamic acid 163 with aspartic acid.
Molecular consequence: missense variant.
Genome position (GRCh38, 1-based): chr11:103,114,225, A>C. VCF-style: chr11-103114225-A-C. GRCh37 (hg19) VCF-style: chr11-102984954-A-C.
Other names: c.489A>C, p.Glu163Asp (NM_001080463.2); short protein forms E163D.
Identifiers: ClinVar variation 4765352 (VCV004765352.1).
Genomic context (GRCh38, chr11:103,114,225, plus strand): 5'-TGGGTTGGGTATAGTTCTACGAAGATCAGACACTAACTTAACAAAATTGAAATTTAAGGA[A>C]GATGACACACGAGGTATATAACCATAGCTTAATAAAAGAGAGTACAAAATGATTGTCTCA-3'
Protein context (NP_001368.2, residues 153-173): DTNLTKLKFK[Glu163Asp]DDTRGILTPS